The following is an entry in ClinVar:

ClinVar aggregate classification (germline): Likely benign. Review status: criteria provided, multiple submitters, no conflicts (2 of 4 stars). 5 submissions from 5 submitters: Likely benign (5). Last evaluated 2026-01-19.

Conditions:
Hypoinsulinemic hypoglycemia and body hemihypertrophy. Also called: Hypoinsulinemic hypoglycemia and hemihypertrophy. Identifiers: Orphanet 293964, MedGen C3278384, MONDO:0009416, OMIM 240900.
Type 2 diabetes mellitus. Also called: Type II diabetes mellitus. Identifiers: MedGen C0011860, MeSH D003924, MONDO:0005148, OMIM 125853, HP:0005978.

Allele frequency attached by ClinVar (database versions not stated): ESP Exome Variant Server 0.00038; gnomAD exomes 0.00045 and 0.00080; TOPMed 0.00045; ExAC 0.00049; gnomAD 0.00054 and 0.00059.
gnomAD v4.1: 1,231 of 1,614,070 alleles (0.076%); highest among the groups gnomAD compares: Non-Finnish European, 0.095%; 3 homozygotes.

Submissions (5):

Labcorp Genetics (formerly Invitae), Labcorp
Classification: Likely benign for Hypoinsulinemic hypoglycemia and body hemihypertrophy; Type 2 diabetes mellitus. Last evaluated: 2026-01-19. Review status: criteria provided, single submitter. Criteria: Invitae Variant Classification Sherloc (09022015). Collection method: clinical testing. Allele origin: germline.

Laboratory of Genetics, Children's Clinical University Hospital Latvia
Classification: Likely benign. Last evaluated: 2025-02-16. Review status: criteria provided, single submitter. Criteria: ACMG Guidelines, 2015. Collection method: clinical testing. Allele origin: germline. Affected: yes.

CeGaT Center for Human Genetics Tuebingen
Classification: Likely benign. Last evaluated: 2024-01-01. Review status: criteria provided, single submitter. Criteria: CeGaT Center For Human Genetics Tuebingen Variant Classification Criteria Version 2. Collection method: clinical testing. Allele origin: germline. Affected: yes. Observed: 1 variant allele.
Comment: AKT2: BP4, BS1

Genetic Services Laboratory, University of Chicago
Classification: Likely benign. Last evaluated: 2016-04-18. Review status: criteria provided, single submitter. Criteria: ACMG Guidelines, 2015. Collection method: clinical testing. Allele origin: germline. Affected: no.

Breakthrough Genomics
Classification: Likely benign. Review status: criteria provided, single submitter. Criteria: ACMG Guidelines, 2015. Collection method: not provided. Allele origin: germline. Inheritance: Autosomal dominant inheritance. Affected: yes.

NM_001626.6(AKT2):c.442-8C>T

Gene: AKT2 (AKT serine/threonine kinase 2; minus strand). Cytogenetic location: 19q13.2.
Variant type: single nucleotide variant.
Coding change: c.442-8C>T on transcript NM_001626.6 (MANE Select); 8 bases into the intron before coding-DNA position 442, C replaced by T.
Molecular consequence: intron variant.
Genome position (GRCh38, 1-based): chr19:40,242,077, G>A on the plus strand (C>T on the coding strand, the complement: AKT2 is on the minus strand). VCF-style: chr19-40242077-G-A. GRCh37 (hg19) VCF-style: chr19-40747984-G-A.
Other names: c.442-8C>T (LRG_1391t1, NM_001330511.1); c.256-8C>T (NM_001243028.3, NM_001243027.3).
Identifiers: ClinVar variation 434117 (VCV000434117.41), dbSNP rs201884933, ClinGen allele CA9441868.
Genomic context (GRCh38, chr19:40,242,077, plus strand): 5'-TTGCCAAAGGTTCCCTTGCCAAGGAGTTTGAGATAGTCGAAGTCATTCATGGTCTGCCAG[G>A]GACAGGGAGAGTGGGGGCAGTCAGCGCCTGGCTCATGGCCCGTGGGAGGAAATTTTAACA-3'